The following is an entry in ClinVar:

ClinVar aggregate classification (germline): Uncertain significance. Review status: criteria provided, multiple submitters, no conflicts (2 of 4 stars). 4 submissions from 4 submitters: Uncertain significance (4). Last evaluated 2025-11-17.

Conditions:
Inborn genetic diseases. Identifiers: MedGen C0950123, MeSH D030342.

Allele frequency attached by ClinVar (database versions not stated): ESP Exome Variant Server 0.00008; gnomAD 0.00027 and 0.00028.
gnomAD v4.1: 235 of 1,613,970 alleles (0.015%); highest among the groups gnomAD compares: Admixed American, 0.083%; no homozygotes.

Submissions (4):

Labcorp Genetics (formerly Invitae), Labcorp
Classification: Uncertain significance. Last evaluated: 2025-11-17. Review status: criteria provided, single submitter. Criteria: Invitae Variant Classification Sherloc (09022015). Collection method: clinical testing. Allele origin: germline.
Comment: This sequence change replaces serine, which is neutral and polar, with cysteine, which is neutral and slightly polar, at codon 572 of the DNM1L protein (p.Ser572Cys). This variant is present in population databases (rs200121892, gnomAD 0.05%). This variant has not been reported in the literature in individuals affected with DNM1L-related conditions. ClinVar contains an entry for this variant (Variation ID: 1404773). An algorithm developed to predict the effect of missense changes on protein structure and function (PolyPhen-2) suggests that this variant is likely to be tolerated. In summary, the available evidence is currently insufficient to determine the role of this variant in disease. Therefore, it has been classified as a Variant of Uncertain Significance.

Ambry Genetics
Classification: Uncertain significance for Inborn genetic diseases. Last evaluated: 2025-04-24. Review status: criteria provided, single submitter. Criteria: Ambry Variant Classification Scheme 2023. Collection method: clinical testing. Allele origin: germline.

Blueprint Genetics
Classification: Uncertain significance. Last evaluated: 2024-11-25. Review status: criteria provided, single submitter. Criteria: ACMG Guidelines, 2015. Collection method: clinical testing. Allele origin: germline.

GeneDx
Classification: Uncertain significance. Last evaluated: 2024-03-01. Review status: criteria provided, single submitter. Criteria: GeneDx Variant Classification Process June 2021. Collection method: clinical testing. Allele origin: germline. Affected: yes.
Comment: In silico analysis supports that this missense variant does not alter protein structure/function; Has not been previously published as pathogenic or benign to our knowledge

NM_012062.5(DNM1L):c.1715C>G (p.Ser572Cys)

Gene: DNM1L (dynamin 1L; plus strand). Cytogenetic location: 12p11.21.
Variant type: single nucleotide variant.
Coding change: c.1715C>G on transcript NM_012062.5 (MANE Select); coding-DNA position 1715, C replaced by G.
Protein change: p.Ser572Cys; replaces serine 572 with cysteine.
Molecular consequence: missense variant.
Genome position (GRCh38, 1-based): chr12:32,740,071, C>G. VCF-style: chr12-32740071-C-G. GRCh37 (hg19) VCF-style: chr12-32893005-C-G.
Other names: c.1682C>G, p.Ser561Cys (NM_001278463.2); c.1754C>G, p.Ser585Cys (NM_001278464.2); c.1721C>G, p.Ser574Cys (NM_001278465.2); c.1106C>G, p.Ser369Cys (NM_001278466.2); c.1643C>G, p.Ser548Cys (NM_001330380.2); c.1604C>G, p.Ser535Cys (NM_005690.5); c.1637C>G, p.Ser546Cys (NM_012063.4); c.1715C>G (NM_012062.3); short protein forms S535C, S548C, S561C, S572C, S585C, S369C, S546C, S574C.
Identifiers: ClinVar variation 1404773 (VCV001404773.9), dbSNP rs200121892, ClinGen allele CA6507688.